The following is an entry in ClinVar:

NM_004937.3(CTNS):c.869A>C (p.Tyr290Ser)

Gene: CTNS (cystinosin, lysosomal cystine transporter; plus strand). Cytogenetic location: 17p13.2.
Variant type: single nucleotide variant.
Coding change: c.869A>C on transcript NM_004937.3 (MANE Select); coding-DNA position 869, A replaced by C.
Protein change: p.Tyr290Ser; replaces tyrosine 290 with serine.
Molecular consequence: missense variant.
Genome position (GRCh38, 1-based): chr17:3,659,874, A>C. VCF-style: chr17-3659874-A-C. GRCh37 (hg19) VCF-style: chr17-3563168-A-C.
Other names: c.869A>C, p.Tyr290Ser (NM_001031681.3, NM_001374492.1); c.428A>C, p.Tyr143Ser (NM_001374493.1, NM_001374494.1, NM_001374495.1 and 1 more transcripts); short protein forms Y290S, Y143S.
Identifiers: ClinVar variation 1963669 (VCV001963669.5), dbSNP rs2507788802, ClinGen allele CA397692974.

ClinVar aggregate classification (germline): Uncertain significance (1 of 4 stars; one submission).

Conditions:
Inborn genetic diseases. Identifiers: MedGen C0950123, MeSH D030342.
Juvenile nephropathic cystinosis. Also called: Later-Onset (Juvenile) Cystinosis; Intermediate Cystinosis; CYSTINOSIS, LATE-ONSET JUVENILE OR ADOLESCENT NEPHROPATHIC TYPE. Identifiers: Orphanet 213, Orphanet 411634, MedGen C0268626, MONDO:0009066, OMIM 219900.
Ocular cystinosis. Also called: Non-Nephropathic (Ocular) Cystinosis; Non-Nephropathic Cystinosis. Identifiers: Orphanet 213, Orphanet 411641, MedGen C2931013, MONDO:0009064, OMIM 219750.

Submission:

Labcorp Genetics (formerly Invitae), Labcorp
Classification: Uncertain significance for Inborn genetic diseases; Ocular cystinosis; Juvenile nephropathic cystinosis. Last evaluated: 2022-07-13. Review status: criteria provided, single submitter. Criteria: Invitae Variant Classification Sherloc (09022015). Collection method: clinical testing. Allele origin: germline.
Comment: This variant is not present in population databases (gnomAD no frequency). This sequence change replaces tyrosine, which is neutral and polar, with serine, which is neutral and polar, at codon 290 of the CTNS protein (p.Tyr290Ser). This variant has not been reported in the literature in individuals affected with CTNS-related conditions. Advanced modeling of protein sequence and biophysical properties (such as structural, functional, and spatial information, amino acid conservation, physicochemical variation, residue mobility, and thermodynamic stability) performed at Invitae indicates that this missense variant is not expected to disrupt CTNS protein function. Algorithms developed to predict the effect of sequence changes on RNA splicing suggest that this variant may create or strengthen a splice site. In summary, the available evidence is currently insufficient to determine the role of this variant in disease. Therefore, it has been classified as a Variant of Uncertain Significance.